The following is an entry in ClinVar:

NM_001375567.1(FOCAD):c.4729-9_4729-5dup

Gene: FOCAD (focadhesin; plus strand). Cytogenetic location: 9p21.3.
Variant type: Duplication.
Coding change: c.4729-9_4729-5dup on transcript NM_001375567.1 (MANE Select); 9 bases into the intron before coding-DNA position 4729 through 5 bases into the intron before coding-DNA position 4729, 5 bases duplicated (TTTTT; older notation c.4729-9_4729-5dupTTTTT).
Molecular consequence: intron variant.
Genome position (GRCh38, 1-based): chr9:20,986,279-20,986,283, TTTTT duplicated; duplicating any 5 consecutive bases within chr9:20,986,267-20,986,283 gives the same sequence; the c. name uses the placement nearest the transcript's 3' end. VCF-style (leftmost placement, unchanged base first): chr9-20986266-A-ATTTTT. GRCh37 (hg19) VCF-style: chr9-20986265-A-ATTTTT.
Other names: c.4729-9_4729-5dup (NM_017794.5); c.4624-9_4624-5dup (NM_001375568.1, NM_001375570.1).
Identifiers: ClinVar variation 3049030 (VCV003049030.8), dbSNP rs545976303, ClinGen allele CA862073093.

ClinVar aggregate classification (germline): Likely benign. Review status: criteria provided, single submitter (1 of 4 stars). 2 submissions from 2 submitters: Likely benign (1). 1 of the submissions does not count toward it. Last evaluated 2025-11-01.

Conditions:
FOCAD-related disorder. Also called: FOCAD-related condition.

Submissions (2):

CeGaT Center for Human Genetics Tuebingen
Classification: Likely benign. Last evaluated: 2025-11-01. Review status: criteria provided, single submitter. Criteria: CeGaT Center For Human Genetics Tuebingen Variant Classification Criteria Version 2. Collection method: clinical testing. Allele origin: germline. Affected: yes. Observed: 1 variant allele.
Comment: FOCAD: BP4, BS2

PreventionGenetics, part of Exact Sciences
Classification: Likely benign for FOCAD-related condition. Last evaluated: 2019-11-21. Review status: no assertion criteria provided. Collection method: clinical testing. Allele origin: germline. Not counted in ClinVar's aggregate classification.
Comment: This variant is classified as likely benign based on ACMG/AMP sequence variant interpretation guidelines (Richards et al. 2015 PMID: 25741868, with internal and published modifications).